The following is an entry in ClinVar:

NM_001365951.3(KIF1B):c.4774A>T (p.Thr1592Ser)

Gene: KIF1B (kinesin family member 1B; plus strand). Cytogenetic location: 1p36.22.
Variant type: single nucleotide variant.
Coding change: c.4774A>T on transcript NM_001365951.3 (MANE Select); coding-DNA position 4774, A replaced by T.
Protein change: p.Thr1592Ser; replaces threonine 1592 with serine.
Molecular consequence: missense variant.
Genome position (GRCh38, 1-based): chr1:10,368,488, A>T. VCF-style: chr1-10368488-A-T. GRCh37 (hg19) VCF-style: chr1-10428546-A-T.
Other names: c.4774A>T, p.Thr1592Ser (NM_001365952.1); c.4636A>T, p.Thr1546Ser (NM_015074.3); short protein forms T1546S, T1592S.
Identifiers: ClinVar variation 3288410 (VCV003288410.1).
Genomic context (GRCh38, chr1:10,368,488, plus strand): 5'-ATTTTATGTTCAGCTTGCACTTCTCTTTCTCTTCTTTAGTGCCTGCAACTTCTCACCCAC[A>T]CTTTCAACAGAGAATTCAGCCAGGTGCACGGCAGCGTCAGTGACTGTAAGGTGAGCACAT-3'
Protein context (NP_001352880.1, residues 1582-1602): ATKCLQLLTH[Thr1592Ser]FNREFSQVHG

ClinVar aggregate classification (germline): Uncertain significance (1 of 4 stars; one submission).

gnomAD v4.1: 1 of 1,613,922 alleles (0.000062%); highest among the groups gnomAD compares: Non-Finnish European, 0.000085%; no homozygotes.

Submission:

Ambry Genetics
Classification: Uncertain significance. Last evaluated: 2024-03-30. Review status: criteria provided, single submitter. Criteria: Ambry Variant Classification Scheme 2023. Collection method: clinical testing. Allele origin: germline.
Comment: The p.T1546S variant (also known as c.4636A>T), located in coding exon 41 of the KIF1B gene, results from an A to T substitution at nucleotide position 4636. The threonine at codon 1546 is replaced by serine, an amino acid with similar properties. This amino acid position is conserved. In addition, this alteration is predicted to be tolerated by in silico analysis. Based on the available evidence, the clinical significance of this alteration remains unclear.